The following is an entry in ClinVar:

ClinVar aggregate classification (germline): Uncertain significance (1 of 4 stars; one submission).

Conditions:
Familial cancer of breast. Also called: BREAST CANCER, FAMILIAL; Hereditary breast cancer; hereditary breast carcinoma. Identifiers: Orphanet 227535, MedGen C0346153, MONDO:0016419, OMIM 114480. Disease mechanism: loss of function.
Fanconi anemia complementation group J. Also called: BRIP1-Related Fanconi Anemia. Identifiers: Orphanet 84, MedGen C1836860, MONDO:0012187, OMIM 609054.

Submission:

Labcorp Genetics (formerly Invitae), Labcorp
Classification: Uncertain significance for Familial cancer of breast; Fanconi anemia complementation group J. Last evaluated: 2022-10-14. Review status: criteria provided, single submitter. Criteria: Invitae Variant Classification Sherloc (09022015). Collection method: clinical testing. Allele origin: germline.
Comment: In summary, the available evidence is currently insufficient to determine the role of this variant in disease. Therefore, it has been classified as a Variant of Uncertain Significance. Advanced modeling of protein sequence and biophysical properties (such as structural, functional, and spatial information, amino acid conservation, physicochemical variation, residue mobility, and thermodynamic stability) performed at Invitae indicates that this missense variant is not expected to disrupt BRIP1 protein function. This variant has not been reported in the literature in individuals affected with BRIP1-related conditions. This variant is not present in population databases (gnomAD no frequency). This sequence change replaces glutamic acid, which is acidic and polar, with valine, which is neutral and non-polar, at codon 436 of the BRIP1 protein (p.Glu436Val).

NM_032043.3(BRIP1):c.1307A>T (p.Glu436Val)

Gene: BRIP1 (BRCA1 interacting DNA helicase 1; minus strand). Cytogenetic location: 17q23.2.
Variant type: single nucleotide variant.
Coding change: c.1307A>T on transcript NM_032043.3 (MANE Select); coding-DNA position 1307, A replaced by T.
Protein change: p.Glu436Val; replaces glutamic acid 436 with valine.
Molecular consequence: missense variant.
Genome position (GRCh38, 1-based): chr17:61,799,133, T>A on the plus strand (A>T on the coding strand, the complement: BRIP1 is on the minus strand). VCF-style: chr17-61799133-T-A. GRCh37 (hg19) VCF-style: chr17-59876494-T-A.
Other names: short protein forms E436V.
Identifiers: ClinVar variation 1721546 (VCV001721546.5), dbSNP rs2145301308, ClinGen allele CA400483451.
Genomic context (GRCh38, chr17:61,799,133, plus strand): 5'-AATACACTAATAGACAAATCTTCTTACTTAATGAGGCTACAGCACACAGCTCGTAGGGGT[T>A]CATGATCTTTCTTCCTTATATTATTGTTGACCATACTATCTAGTTCATCCCGAGCAAACC-3'
Protein context (NP_114432.2, residues 426-446): VNNNIRKKDH[Glu436Val]PLRAVCCSLI